The following is an entry in ClinVar:

ClinVar aggregate classification (germline): Uncertain significance (1 of 4 stars; one submission).

Conditions:
Hereditary cancer-predisposing syndrome. Also called: Neoplastic Syndromes, Hereditary; Tumor predisposition; Hereditary neoplastic syndrome; Hereditary Cancer Syndrome. Identifiers: Orphanet 140162, MedGen C0027672, MeSH D009386, MONDO:0015356.

Submission:

Ambry Genetics
Classification: Uncertain significance for Hereditary cancer-predisposing syndrome. Last evaluated: 2024-01-23. Review status: criteria provided, single submitter. Criteria: Ambry Variant Classification Scheme 2023. Collection method: clinical testing. Allele origin: germline.
Comment: The p.K1053Q variant (also known as c.3157A>C), located in coding exon 15 of the APC gene, results from an A to C substitution at nucleotide position 3157. The lysine at codon 1053 is replaced by glutamine, an amino acid with similar properties. This amino acid position is conserved. In addition, in silico predictors for this gene do not accurately predict pathogenicity. Based on the available evidence, the clinical significance of this alteration remains unclear.

NM_000038.6(APC):c.3157A>C (p.Lys1053Gln)

Gene: APC (APC regulator of Wnt signaling pathway; plus strand). Cytogenetic location: 5q22.2.
Variant type: single nucleotide variant.
Coding change: c.3157A>C on transcript NM_000038.6 (MANE Select); coding-DNA position 3157, A replaced by C.
Protein change: p.Lys1053Gln; replaces lysine 1053 with glutamine.
Molecular consequence: missense variant. On other transcripts: non-coding transcript variant (2).
Genome position (GRCh38, 1-based): chr5:112,838,751, A>C. VCF-style: chr5-112838751-A-C. GRCh37 (hg19) VCF-style: chr5-112174448-A-C.
Other names: c.3157A>C, p.Lys1053Gln (NM_001127510.3, NM_001354895.2, NM_001407450.1); c.3103A>C, p.Lys1035Gln (NM_001127511.3); c.3211A>C, p.Lys1071Gln (NM_001354896.2, NM_001407447.1, NM_001407448.1 and 1 more transcripts); c.3187A>C, p.Lys1063Gln (NM_001354897.2); c.3082A>C, p.Lys1028Gln (NM_001354898.2); c.3073A>C, p.Lys1025Gln (NM_001354899.2); c.3034A>C, p.Lys1012Gln (NM_001354900.2); c.2980A>C, p.Lys994Gln (NM_001354901.2, NM_001407453.1); and 11 more; short protein forms K1012Q, K1025Q, K1028Q, K1035Q, K1043Q, K1046Q, K1053Q, K1063Q.
Identifiers: ClinVar variation 3228004 (VCV003228004.1), dbSNP rs1554084758, ClinGen allele CA16028249.